The following is an entry in ClinVar:

ClinVar aggregate classification (germline): Uncertain significance (1 of 4 stars; one submission).

Conditions:
Spinocerebellar ataxia type 19/22 (SCA19). Also called: SPINOCEREBELLAR ATAXIA 19; SPINOCEREBELLAR ATAXIA 22. Identifiers: Orphanet 98772, MedGen C1846367, MONDO:0011819, OMIM 607346.

Submission:

Labcorp Genetics (formerly Invitae), Labcorp
Classification: Uncertain significance for Spinocerebellar ataxia type 19/22. Last evaluated: 2021-08-07. Review status: criteria provided, single submitter. Criteria: Invitae Variant Classification Sherloc (09022015). Collection method: clinical testing. Allele origin: germline.
Comment: This variant has not been reported in the literature in individuals affected with KCND3-related conditions. This variant results in a copy number gain of the genomic region encompassing exon(s) 2 of the KCND3 gene. This region includes the initiator codon of the gene. This copy number gain extends beyond the assayed region for this gene and therefore may encompass additional genes. As the precise location of this event is unknown, it may be in tandem or it may be located elsewhere in the genome. Experimental studies and prediction algorithms are not available or were not evaluated, and the functional significance of this variant is currently unknown. In summary, the available evidence is currently insufficient to determine the role of this variant in disease. Therefore, it has been classified as a Variant of Uncertain Significance.

NC_000001.10:g.(?_112524223)_(112525348_?)dup

Gene: KCND3 (potassium voltage-gated channel subfamily D member 3; minus strand). Cytogenetic location: 1p13.2.
Variant type: Duplication.
Identifiers: ClinVar variation 1411307 (VCV001411307.4).